The following is an entry in ClinVar:

ClinVar aggregate classification (germline): Pathogenic (1 of 4 stars; one submission).

Conditions:
Renal cysts and diabetes syndrome (RCAD). Also called: Familial hypoplastic, glomerulocystic kidney; MATURITY-ONSET DIABETES OF THE YOUNG, TYPE 5. Identifiers: Orphanet 93111, MedGen C0431693, MONDO:0007669, OMIM 137920.

Submission:

Institute of Human Genetics, FAU Erlangen, Friedrich-Alexander-Universität Erlangen-Nürnberg
Classification: Pathogenic for Renal cysts and diabetes syndrome. Last evaluated: 2019-07-06. Review status: criteria provided, single submitter. Criteria: ACMG Guidelines, 2015. Collection method: literature only. Allele origin: germline. Affected: yes.
Comment: This variant and it's classification has been reported by Vasileiou et al. 2019; DOI:10.1101/576918. The variants has previously been reported in PMID:25700310; PMID:20543213; PMID:25536396 as "c.353delC, c.535delC; c.353delC" with clinical significance Pathogenic. It has been re-classified using InterVar and manual curation as Pathogenic based on PVS1 PM2 PP3.

Literature cited by the submitters: PubMed 25700310; PubMed 20543213; PubMed 25536396; DOI 10.1101/576918.

NM_000458.4(HNF1B):c.353del (p.Pro118fs)

Gene: HNF1B (HNF1 homeobox B; minus strand). Cytogenetic location: 17q12.
Variant type: Deletion.
Coding change: c.353del on transcript NM_000458.4 (MANE Select); coding-DNA position 353, one base deleted (C; older notation c.353delC).
Protein change: p.Pro118fs; shifts the reading frame from proline 118.
Molecular consequence: frameshift variant.
Genome position (GRCh38, 1-based): chr17:37,739,631, G deleted on the plus strand (C on the coding strand, the reverse complement: HNF1B is on the minus strand); the first of 3 consecutive G bases (chr17:37,739,631-37,739,633); deleting any one gives the same sequence. VCF-style (leftmost placement, unchanged base first): chr17-37739630-AG-A. GRCh37 (hg19) VCF-style: chr17-36099621-AG-A.
Other names: c.353del, p.Pro118fs (NM_001165923.4, NM_001304286.2); short protein forms P118fs.
Identifiers: ClinVar variation 635710 (VCV000635710.1), dbSNP rs2511830029, ClinGen allele CA913190797.